The following is an entry in ClinVar:

ClinVar aggregate classification (germline): Uncertain significance (1 of 4 stars; one submission).

Submission:

GeneDx
Classification: Uncertain significance. Last evaluated: 2024-02-21. Review status: criteria provided, single submitter. Criteria: GeneDx Variant Classification Process June 2021. Collection method: clinical testing. Allele origin: germline. Affected: yes.
Comment: Not observed at significant frequency in large population cohorts (gnomAD); In silico analysis supports that this missense variant has a deleterious effect on protein structure/function; Has not been previously published as pathogenic or benign to our knowledge

NM_001982.4(ERBB3):c.1113C>G (p.Asp371Glu)

Gene: ERBB3 (erb-b2 receptor tyrosine kinase 3; plus strand). Cytogenetic location: 12q13.2.
Variant type: single nucleotide variant.
Coding change: c.1113C>G on transcript NM_001982.4 (MANE Select); coding-DNA position 1113, C replaced by G.
Protein change: p.Asp371Glu; replaces aspartic acid 371 with glutamic acid.
Molecular consequence: missense variant.
Genome position (GRCh38, 1-based): chr12:56,092,750, C>G. VCF-style: chr12-56092750-C-G. GRCh37 (hg19) VCF-style: chr12-56486534-C-G.
Other names: short protein forms D371E.
Identifiers: ClinVar variation 3369379 (VCV003369379.1).